The following is an entry in ClinVar:

ClinVar aggregate classification (germline): Uncertain significance. Review status: criteria provided, multiple submitters, no conflicts (2 of 4 stars). 3 submissions from 3 submitters: Uncertain significance (3). Last evaluated 2025-11-23.

Conditions:
Hereditary cancer-predisposing syndrome. Also called: Hereditary neoplastic syndrome; Neoplastic Syndromes, Hereditary; Tumor predisposition; Hereditary Cancer Syndrome. Identifiers: Orphanet 140162, MedGen C0027672, MeSH D009386, MONDO:0015356.
Hereditary nonpolyposis colorectal neoplasms. Identifiers: MedGen C0009405, MeSH D003123.

Submissions (3):

Ambry Genetics
Classification: Uncertain significance for Hereditary cancer-predisposing syndrome. Last evaluated: 2025-11-23. Review status: criteria provided, single submitter. Criteria: Ambry Variant Classification Scheme 2023. Collection method: clinical testing. Allele origin: germline.
Comment: The p.F461S variant (also known as c.1382T>C), located in coding exon 4 of the MSH6 gene, results from a T to C substitution at nucleotide position 1382. The phenylalanine at codon 461 is replaced by serine, an amino acid with highly dissimilar properties. This amino acid position is conserved. In addition, this alteration is predicted to be deleterious by in silico analysis. Based on the available evidence, the clinical significance of this variant remains unclear.

Labcorp Genetics (formerly Invitae), Labcorp
Classification: Uncertain significance for Hereditary nonpolyposis colorectal neoplasms. Last evaluated: 2021-10-11. Review status: criteria provided, single submitter. Criteria: Invitae Variant Classification Sherloc (09022015). Collection method: clinical testing. Allele origin: germline.
Comment: This variant has not been reported in the literature in individuals affected with MSH6-related conditions. In summary, the available evidence is currently insufficient to determine the role of this variant in disease. Therefore, it has been classified as a Variant of Uncertain Significance. Advanced modeling of protein sequence and biophysical properties (such as structural, functional, and spatial information, amino acid conservation, physicochemical variation, residue mobility, and thermodynamic stability) performed at Invitae indicates that this missense variant is expected to disrupt MSH6 protein function. This variant is not present in population databases (ExAC no frequency). This sequence change replaces phenylalanine with serine at codon 461 of the MSH6 protein (p.Phe461Ser). The phenylalanine residue is highly conserved and there is a large physicochemical difference between phenylalanine and serine.

GeneDx
Classification: Uncertain significance. Last evaluated: 2019-08-01. Review status: criteria provided, single submitter. Criteria: GeneDx Variant Classification Process June 2021. Collection method: clinical testing. Allele origin: germline. Affected: yes.
Comment: Not observed in large population cohorts (Lek et al., 2016); In silico analysis, which includes protein predictors and evolutionary conservation, supports a deleterious effect; Has not been previously published as pathogenic or benign to our knowledge

NM_000179.3(MSH6):c.1382T>C (p.Phe461Ser)

Gene: MSH6 (mutS homolog 6; plus strand). Cytogenetic location: 2p16.3.
Variant type: single nucleotide variant.
Coding change: c.1382T>C on transcript NM_000179.3 (MANE Select); coding-DNA position 1382, T replaced by C.
Protein change: p.Phe461Ser; replaces phenylalanine 461 with serine.
Molecular consequence: missense variant.
Genome position (GRCh38, 1-based): chr2:47,799,365, T>C. VCF-style: chr2-47799365-T-C. GRCh37 (hg19) VCF-style: chr2-48026504-T-C.
Other names: c.992T>C, p.Phe331Ser (NM_001281492.2); c.476T>C, p.Phe159Ser (NM_001281493.2, NM_001281494.2); short protein forms F159S, F331S, F461S.
Identifiers: ClinVar variation 1318811 (VCV001318811.8), dbSNP rs1064793187, ClinGen allele CA346745004.